The following is an entry in ClinVar:

ClinVar aggregate classification (germline): Likely pathogenic (1 of 4 stars; one submission).

Conditions:
Nemaline myopathy. Also called: Myopathies, Nemaline. Identifiers: Orphanet 607, MedGen C0206157, MONDO:0018958.

gnomAD v4.1: 1 of 1,598,904 alleles (0.000063%); highest among the groups gnomAD compares: Non-Finnish European, 0.000085%; no homozygotes.

Submission:

Broad Center for Mendelian Genomics, Broad Institute of MIT and Harvard
Classification: Likely pathogenic for Nemaline myopathy. Last evaluated: 2025-03-21. Review status: criteria provided, single submitter. Criteria: ACMG Guidelines, 2015. Collection method: curation. Allele origin: germline. Inheritance: Autosomal recessive inheritance.
Comment: The p.Gln943Ter variant in NEB has been reported, in the compound heterozygous state, in at least 1 individual with nemaline myopathy (PMID: 25205138, 25214167), and has been identified in 0.00008% (1/1171618) of European (non-Finnish) chromosomes by the Genome Aggregation Database (gnomAD). Although this variant has been seen in the general population in a heterozygous state, its frequency is low enough to be consistent with a recessive carrier frequency. This nonsense variant leads to a premature termination codon at position 943, which is predicted to lead to a truncated or absent protein. Loss of function of the NEB gene is an established disease mechanism in autosomal recessive nemaline myopathy. In summary, although additional studies are required to fully establish its clinical significance, this variant is likely pathogenic for autosomal recessive nemaline myopathy. ACMG/AMP Criteria applied: PVS1, PM2_supporting (Richards 2015).

NM_001164508.2(NEB):c.2827C>T (p.Gln943Ter)

Gene: NEB (nebulin; minus strand). Cytogenetic location: 2q23.3.
Variant type: single nucleotide variant.
Coding change: c.2827C>T on transcript NM_001164508.2 (MANE Select); coding-DNA position 2827, C replaced by T.
Protein change: p.Gln943Ter; replaces glutamine 943 with a stop codon.
Molecular consequence: nonsense.
Genome position (GRCh38, 1-based): chr2:151,684,786, G>A on the plus strand (C>T on the coding strand, the complement: NEB is on the minus strand). VCF-style: chr2-151684786-G-A. GRCh37 (hg19) VCF-style: chr2-152541300-G-A.
Other names: NM_001164508.2:c.2827C>T; c.2827C>T, p.Gln943Ter (NM_001164507.2, NM_001271208.2, NM_004543.5); short protein forms Q943*.
Identifiers: ClinVar variation 3776993 (VCV003776993.1).